The following is an entry in ClinVar:

NM_001032283.3(TMPO):c.331G>C (p.Asp111His)

Gene: TMPO (thymopoietin; plus strand). Cytogenetic location: 12q23.1.
Variant type: single nucleotide variant.
Coding change: c.331G>C on transcript NM_001032283.3 (MANE Select); coding-DNA position 331, G replaced by C.
Protein change: p.Asp111His; replaces aspartic acid 111 with histidine.
Molecular consequence: missense variant.
Genome position (GRCh38, 1-based): chr12:98,527,937, G>C. VCF-style: chr12-98527937-G-C. GRCh37 (hg19) VCF-style: chr12-98921715-G-C.
Other names: c.331G>C, p.Asp111His (NM_001032284.3, NM_001307975.2, NM_003276.2); short protein forms D111H.
Identifiers: ClinVar variation 1395478 (VCV001395478.16), dbSNP rs201838047, ClinGen allele CA6732169.

ClinVar aggregate classification (germline): Uncertain significance. Review status: criteria provided, multiple submitters, no conflicts (2 of 4 stars). 4 submissions from 4 submitters: Uncertain significance (4). Last evaluated 2025-09-25.

Conditions:
Loeys-Dietz syndrome 2 (LDS2). Also called: TGFBR2-Related Loeys-Dietz Syndrome; Marfan Syndrome type 2; Marfan like connective tissue disorder; MFS 2; AORTIC ANEURYSM, FAMILIAL THORACIC 3; MARFAN SYNDROME, TYPE II. Identifiers: Orphanet 284973, Orphanet 558, MedGen C2674574, MONDO:0012427, OMIM 610168.

Allele frequency attached by ClinVar (database versions not stated): ExAC 0.00002; TOPMed 0.00002; gnomAD 0.00003.
gnomAD v4.1: 37 of 1,613,790 alleles (0.0023%); highest among the groups gnomAD compares: Non-Finnish European, 0.0031%; no homozygotes.

Submissions (4):

Ambry Genetics
Classification: Uncertain significance. Last evaluated: 2025-09-25. Review status: criteria provided, single submitter. Criteria: Ambry Variant Classification Scheme 2023. Collection method: clinical testing. Allele origin: germline.

Women's Health and Genetics/Laboratory Corporation of America, LabCorp
Classification: Uncertain significance. Last evaluated: 2024-11-10. Review status: criteria provided, single submitter. Criteria: LabCorp Variant Classification Summary - May 2015. Collection method: clinical testing. Allele origin: germline.

GeneDx
Classification: Uncertain significance. Last evaluated: 2023-10-19. Review status: criteria provided, single submitter. Criteria: GeneDx Variant Classification Process June 2021. Collection method: clinical testing. Allele origin: germline. Affected: yes.
Comment: Has not been previously published as pathogenic or benign to our knowledge; Not observed at significant frequency in large population cohorts (gnomAD); In silico analysis supports that this missense variant has a deleterious effect on protein structure/function

Labcorp Genetics (formerly Invitae), Labcorp
Classification: Uncertain significance for Loeys-Dietz syndrome 2. Last evaluated: 2022-07-30. Review status: criteria provided, single submitter. Criteria: Invitae Variant Classification Sherloc (09022015). Collection method: clinical testing. Allele origin: germline.
Comment: In summary, the available evidence is currently insufficient to determine the role of this variant in disease. Therefore, it has been classified as a Variant of Uncertain Significance. Algorithms developed to predict the effect of missense changes on protein structure and function (SIFT, PolyPhen-2, Align-GVGD) all suggest that this variant is likely to be disruptive. ClinVar contains an entry for this variant (Variation ID: 1395478). This variant has not been reported in the literature in individuals affected with TMPO-related conditions. This variant is present in population databases (rs201838047, gnomAD 0.002%). This sequence change replaces aspartic acid, which is acidic and polar, with histidine, which is basic and polar, at codon 111 of the TMPO protein (p.Asp111His).